The following is an entry in ClinVar:

ClinVar aggregate classification (germline): Conflicting classifications of pathogenicity. Review status: criteria provided, conflicting classifications (1 of 4 stars). 4 submissions from 4 submitters: Uncertain significance (3); Likely benign (1). Last evaluated 2025-12-19.

Conditions:
Autosomal dominant nonsyndromic hearing loss 1. Also called: DEAFNESS, AUTOSOMAL DOMINANT 1, WITH OR WITHOUT THROMBOCYTOPENIA; KONIGSMARK SYNDROME. Identifiers: Orphanet 90635, MedGen C1852282, MONDO:0007424, OMIM 124900.
Progressive microcephaly-seizures-cortical blindness-developmental delay syndrome. Also called: Seizures, cortical blindness, and microcephaly syndrome. Identifiers: Orphanet 477814, MedGen C5567650, MONDO:0014714, OMIM 616632.
Inborn genetic diseases. Identifiers: MedGen C0950123, MeSH D030342.

Allele frequency attached by ClinVar (database versions not stated): gnomAD exomes 0.00007; ExAC 0.00012; 1000 Genomes Project 30x 0.00016; 1000 Genomes Project 0.00020; gnomAD 0.00033; TOPMed 0.00036; ESP Exome Variant Server 0.00040.
gnomAD v4.1: 78 of 1,609,180 alleles (0.0048%); highest among the groups gnomAD compares: African/African-American, 0.099%; no homozygotes.

Submissions (4):

Labcorp Genetics (formerly Invitae), Labcorp
Classification: Uncertain significance for Progressive microcephaly-seizures-cortical blindness-developmental delay syndrome; Autosomal dominant nonsyndromic hearing loss 1. Last evaluated: 2025-12-19. Review status: criteria provided, single submitter. Criteria: Invitae Variant Classification Sherloc (09022015). Collection method: clinical testing. Allele origin: germline.
Comment: This sequence change replaces isoleucine, which is neutral and non-polar, with threonine, which is neutral and polar, at codon 595 of the DIAPH1 protein (p.Ile595Thr). This variant is present in population databases (rs374299911, gnomAD 0.1%). This variant has not been reported in the literature in individuals affected with DIAPH1-related conditions. ClinVar contains an entry for this variant (Variation ID: 286299). Experimental studies and prediction algorithms are not available or were not evaluated, and the functional significance of this variant is currently unknown. In summary, the available evidence is currently insufficient to determine the role of this variant in disease. Therefore, it has been classified as a Variant of Uncertain Significance.

GeneDx
Classification: Uncertain significance. Last evaluated: 2024-10-07. Review status: criteria provided, single submitter. Criteria: GeneDx Variant Classification Process June 2021. Collection method: clinical testing. Allele origin: germline. Affected: yes.
Comment: In silico analysis indicates that this missense variant does not alter protein structure/function; Has not been previously published as pathogenic or benign to our knowledge

Ambry Genetics
Classification: Likely benign for Inborn genetic diseases. Last evaluated: 2021-10-14. Review status: criteria provided, single submitter. Criteria: Ambry Variant Classification Scheme 2023. Collection method: clinical testing. Allele origin: germline.

Eurofins Ntd Llc (ga)
Classification: Uncertain significance. Last evaluated: 2016-03-21. Review status: criteria provided, single submitter. Criteria: EGL Classification Definitions 2015. Collection method: clinical testing. Allele origin: germline. Observed: 1 variant allele, 1 heterozygote.

NM_005219.5(DIAPH1):c.1784T>C (p.Ile595Thr)

Gene: DIAPH1 (diaphanous related formin 1; minus strand). Cytogenetic location: 5q31.3.
Variant type: single nucleotide variant.
Coding change: c.1784T>C on transcript NM_005219.5 (MANE Select); coding-DNA position 1784, T replaced by C.
Protein change: p.Ile595Thr; replaces isoleucine 595 with threonine.
Molecular consequence: missense variant.
Genome position (GRCh38, 1-based): chr5:141,574,066, A>G on the plus strand (T>C on the coding strand, the complement: DIAPH1 is on the minus strand). VCF-style: chr5-141574066-A-G. GRCh37 (hg19) VCF-style: chr5-140953633-A-G.
Other names: c.1757T>C, p.Ile586Thr (NM_001079812.3); c.1784T>C, p.Ile595Thr (NM_001314007.2); c.1784T>C (NM_005219.4); short protein forms I595T, I586T.
Identifiers: ClinVar variation 286299 (VCV000286299.12), dbSNP rs374299911, ClinGen allele CA3479213.